The following is an entry in ClinVar:

ClinVar aggregate classification (germline): Conflicting classifications of pathogenicity. Review status: criteria provided, conflicting classifications (1 of 4 stars). 11 submissions from 11 submitters: Uncertain significance (1); Benign (3); Likely benign (5). 2 of the submissions do not count toward it. Last evaluated 2026-07-01.

Conditions:
MBD5 associated neurodevelopmental disorder.
MBD5-related disorder. Also called: MBD5-related condition.
Inborn genetic diseases. Identifiers: MedGen C0950123, MeSH D030342.
Intellectual developmental disorder, autosomal dominant 1. Also called: Intellectual disability, autosomal dominant 1; MBD5 Haploinsufficiency. Identifiers: Orphanet 228402, MedGen C1969562, MONDO:0007974, OMIM 156200.
Intellectual disability. Also called: Intellectual functioning disability; intellectual disabilities; Intellectual developmental disorder. Identifiers: MedGen C3714756, MeSH D008607, MONDO:0001071, HP:0001249.

Allele frequency attached by ClinVar (database versions not stated): 1000 Genomes Project 30x 0.00016; gnomAD 0.00034 and 0.00035; TOPMed 0.00035; gnomAD exomes 0.00048 and 0.00068; ESP Exome Variant Server 0.00054; ExAC 0.00055.
gnomAD v4.1: 1,041 of 1,614,206 alleles (0.064%); highest among the groups gnomAD compares: Non-Finnish European, 0.082%; 3 homozygotes.

Submissions (11):

CeGaT Center for Human Genetics Tuebingen
Classification: Likely benign. Last evaluated: 2026-07-01. Review status: criteria provided, single submitter. Criteria: CeGaT Center For Human Genetics Tuebingen Variant Classification Criteria Version 2. Collection method: clinical testing. Allele origin: germline. Affected: yes. Observed: 15 variant alleles.
Comment: MBD5: BP4

Women's Health and Genetics/Laboratory Corporation of America, LabCorp
Classification: Likely benign. Last evaluated: 2026-06-10. Review status: criteria provided, single submitter. Criteria: LabCorp Variant Classification Summary - May 2015. Collection method: clinical testing. Allele origin: germline.
Comment: Variant summary: MBD5 c.3143C>T (p.Thr1048Ile) results in a non-conservative amino acid change in the encoded protein sequence. Algorithms developed to predict the effect of missense changes on protein structure and function are either unavailable or do not agree on the potential impact of this missense change. The variant allele was found at a frequency of 0.00048 in 251428 control chromosomes, predominantly at a frequency of 0.00095 within the Non-Finnish European subpopulation in the gnomAD database. This frequency is close to the estimated maximal expected allele frequency of a pathogenic MBD5 variant (0.001) suggesting that the variant is probably a benign polymorphism. To our knowledge, no occurrence of c.3143C>T in individuals affected with MBD5-related conditions and no experimental evidence demonstrating its impact on protein function have been reported. ClinVar contains an entry for this variant (Variation ID: 206095). Based on the evidence outlined above, the variant was classified as likely benign.

Labcorp Genetics (formerly Invitae), Labcorp
Classification: Benign for Intellectual developmental disorder, autosomal dominant 1. Last evaluated: 2026-02-03. Review status: criteria provided, single submitter. Criteria: Invitae Variant Classification Sherloc (09022015). Collection method: clinical testing. Allele origin: germline.

Blueprint Genetics
Classification: Likely benign. Last evaluated: 2024-11-21. Review status: criteria provided, single submitter. Criteria: ACMG Guidelines, 2015. Collection method: clinical testing. Allele origin: germline.

Ambry Genetics
Classification: Likely benign for Inborn genetic diseases. Last evaluated: 2021-10-09. Review status: criteria provided, single submitter. Criteria: Ambry Variant Classification Scheme 2023. Collection method: clinical testing. Allele origin: germline.

GeneDx
Classification: Benign. Last evaluated: 2020-11-18. Review status: criteria provided, single submitter. Criteria: GeneDx Variant Classification Process June 2021. Collection method: clinical testing. Allele origin: germline. Affected: yes.
Comment: This variant is associated with the following publications: (PMID: 17847001, 21981781, 27222293)

Cambridge Genomics Laboratory, East Genomic Laboratory Hub, NHS Genomic Medicine Service
Classification: Benign for Intellectual disability. Last evaluated: 2019-09-26. Review status: criteria provided, single submitter. Criteria: ACGS Best Practice Guidelines for Variant Classification in Rare Disease 2020. Collection method: clinical testing. Allele origin: germline. Affected: yes. Observed: 1 variant allele.

Eurofins Ntd Llc (ga)
Classification: Uncertain significance. Last evaluated: 2017-04-11. Review status: criteria provided, single submitter. Criteria: EGL Classification Definitions 2015. Collection method: clinical testing. Allele origin: germline. Observed: 4 variant alleles, 1 heterozygote, 3 homozygotes.

Genetic Services Laboratory, University of Chicago
Classification: Likely benign. Last evaluated: 2016-02-25. Review status: criteria provided, single submitter. Criteria: ACMG Guidelines, 2015. Collection method: clinical testing. Allele origin: germline. Affected: no.

PreventionGenetics, part of Exact Sciences
Classification: Likely benign for MBD5-related condition. Last evaluated: 2020-07-14. Review status: no assertion criteria provided. Collection method: clinical testing. Allele origin: germline. Not counted in ClinVar's aggregate classification.
Comment: This variant is classified as likely benign based on ACMG/AMP sequence variant interpretation guidelines (Richards et al. 2015 PMID: 25741868, with internal and published modifications).

Elsea Laboratory, Baylor College of Medicine
Classification: Likely pathogenic for MBD5 associated neurodevelopmental disorder. Last evaluated: 2012-10-01. Review status: flagged submission. Criteria: Submitter's publication. Collection method: research. Allele origin: de novo. Affected: yes. Observed: 1 variant allele. Not counted in ClinVar's aggregate classification.
ClinVar note: Reason: Older claim that does not account for recent evidence

Literature cited by the submitters: PubMed 17847001 (cited by Ambry Genetics); PubMed 21981781 (cited by Ambry Genetics); PubMed 26350204 (cited by Ambry Genetics); PubMed 27222293 (cited by Ambry Genetics).

NM_001378120.1(MBD5):c.3842C>T (p.Thr1281Ile)

Gene: MBD5 (methyl-CpG binding domain protein 5; plus strand). Cytogenetic location: 2q23.1.
Variant type: single nucleotide variant.
Coding change: c.3842C>T on transcript NM_001378120.1 (MANE Select); coding-DNA position 3842, C replaced by T.
Protein change: p.Thr1281Ile; replaces threonine 1281 with isoleucine.
Molecular consequence: missense variant.
Genome position (GRCh38, 1-based): chr2:148,489,474, C>T. VCF-style: chr2-148489474-C-T. GRCh37 (hg19) VCF-style: chr2-149247043-C-T.
Other names: p.T1048I:ACA>ATA; c.3143C>T, p.Thr1048Ile (NM_018328.5); short protein forms T1048I, T1281I.
Identifiers: ClinVar variation 206095 (VCV000206095.101), dbSNP rs145475623, ClinGen allele CA315846.
Genomic context (GRCh38, chr2:148,489,474, plus strand): 5'-TAAACAAAAGAATAAGCACTCAGCCTGGGCTCACAGCACTTCCTGAGAATCCAAACACTA[C>T]ACTTCCACCTTTTCAAGATACACCTTGTGAGTTGCAACCGAGGATTGACCCATCTCTTGG-3'
Protein context (NP_001365049.1, residues 1271-1291): LTALPENPNT[Thr1281Ile]LPPFQDTPCE